The following is an entry in ClinVar:

ClinVar aggregate classification (germline): Uncertain significance. Review status: criteria provided, multiple submitters, no conflicts (2 of 4 stars). 2 submissions from 2 submitters: Uncertain significance (2). Last evaluated 2024-02-28.

Conditions:
Inborn genetic diseases. Identifiers: MedGen C0950123, MeSH D030342.

Allele frequency attached by ClinVar (database versions not stated): gnomAD exomes below 0.00001; gnomAD 0.00001; TOPMed 0.00001.
gnomAD v4.1: 4 of 1,613,848 alleles (0.00025%); highest among the groups gnomAD compares: African/African-American, 0.0013%; no homozygotes.

Submissions (2):

Ambry Genetics
Classification: Uncertain significance for Inborn genetic diseases. Last evaluated: 2024-02-28. Review status: criteria provided, single submitter. Criteria: Ambry Variant Classification Scheme 2023. Collection method: clinical testing. Allele origin: germline.

Labcorp Genetics (formerly Invitae), Labcorp
Classification: Uncertain significance. Last evaluated: 2022-10-18. Review status: criteria provided, single submitter. Criteria: Invitae Variant Classification Sherloc (09022015). Collection method: clinical testing. Allele origin: germline.
Comment: This sequence change replaces threonine, which is neutral and polar, with alanine, which is neutral and non-polar, at codon 3482 of the TRRAP protein (p.Thr3482Ala). This variant is present in population databases (no rsID available, gnomAD 0.007%). This variant has not been reported in the literature in individuals affected with TRRAP-related conditions. In summary, the available evidence is currently insufficient to determine the role of this variant in disease. Therefore, it has been classified as a Variant of Uncertain Significance. Advanced modeling of protein sequence and biophysical properties (such as structural, functional, and spatial information, amino acid conservation, physicochemical variation, residue mobility, and thermodynamic stability) performed at Invitae indicates that this missense variant is not expected to disrupt TRRAP protein function.

NM_001375524.1(TRRAP):c.10573A>G (p.Thr3525Ala)

Gene: TRRAP (transformation/transcription domain associated protein; plus strand). Cytogenetic location: 7q22.1.
Variant type: single nucleotide variant.
Coding change: c.10573A>G on transcript NM_001375524.1 (MANE Select); coding-DNA position 10573, A replaced by G.
Protein change: p.Thr3525Ala; replaces threonine 3525 with alanine.
Molecular consequence: missense variant.
Genome position (GRCh38, 1-based): chr7:99,005,168, A>G. VCF-style: chr7-99005168-A-G. GRCh37 (hg19) VCF-style: chr7-98602791-A-G.
Other names: c.10531A>G, p.Thr3511Ala (NM_001244580.2); c.10444A>G, p.Thr3482Ala (NM_003496.4); c.10531A>G (NM_001244580.1); short protein forms T3482A, T3511A, T3525A.
Identifiers: ClinVar variation 2420515 (VCV002420515.7), dbSNP rs1229100123, ClinGen allele CA368336877.